The following is an entry in ClinVar:

ClinVar aggregate classification (germline): Likely pathogenic (1 of 4 stars; one submission).

Conditions:
Neuropathy, hereditary sensory and autonomic, type 2A (HSAN2A). Also called: WNK1-Related HSAN2 (HSAN2A); ACROOSTEOLYSIS, GIACCAI TYPE; ACROOSTEOLYSIS, NEUROGENIC; HSAN IIA; MORVAN DISEASE; NEUROPATHY, CONGENITAL SENSORY. Identifiers: Orphanet 970, MedGen C2752089, MONDO:0024309, OMIM 201300.
Generalized epilepsy with febrile seizures plus, type 7 (GEFSP7). Also called: GEFS+, TYPE 7. Identifiers: Orphanet 36387, MedGen C2751778, MONDO:0013470, OMIM 613863.

gnomAD v4.1: 5 of 1,587,074 alleles (0.00032%); highest among the groups gnomAD compares: Non-Finnish European, 0.00043%; no homozygotes.

Submission:

Labcorp Genetics (formerly Invitae), Labcorp
Classification: Likely pathogenic for Neuropathy, hereditary sensory and autonomic, type 2A; Generalized epilepsy with febrile seizures plus, type 7. Last evaluated: 2021-06-24. Review status: criteria provided, single submitter. Criteria: Invitae Variant Classification Sherloc (09022015). Collection method: clinical testing. Allele origin: germline.
Comment: This sequence change affects an acceptor splice site in intron 15 of the SCN9A gene. It is expected to disrupt RNA splicing. Variants that disrupt the donor or acceptor splice site typically lead to a loss of protein function (PMID: 16199547), and loss-of-function variants in SCN9A are known to be pathogenic (PMID: 17470132, 19304393). This variant is not present in population databases (ExAC no frequency). This variant has not been reported in the literature in individuals affected with SCN9A-related conditions. Algorithms developed to predict the effect of sequence changes on RNA splicing suggest that this variant may disrupt the consensus splice site. In summary, the currently available evidence indicates that the variant is pathogenic, but additional data are needed to prove that conclusively. Therefore, this variant has been classified as Likely Pathogenic.

Literature cited by the submitters: PubMed 16199547; PubMed 17470132; PubMed 19304393.

NM_001365536.1(SCN9A):c.2518-1G>T

Genes: SCN1A-AS1 (SCN1A and SCN9A antisense RNA 1; plus strand), SCN9A (sodium voltage-gated channel alpha subunit 9; minus strand). Cytogenetic location: 2q24.3.
Variant type: single nucleotide variant.
Coding change: c.2518-1G>T on transcript NM_001365536.1 (MANE Select); the canonical splice acceptor site of the intron before coding-DNA position 2518, G replaced by T.
Molecular consequence: splice acceptor variant.
Genome position (GRCh38, 1-based): chr2:166,277,340, C>A on the plus strand (G>T on the coding strand, the complement: SCN9A is on the minus strand). VCF-style: chr2-166277340-C-A. GRCh37 (hg19) VCF-style: chr2-167133850-C-A.
Other names: c.2485-1G>T (NM_002977.4).
Identifiers: ClinVar variation 1466702 (VCV001466702.6), dbSNP rs2106469561, ClinGen allele CA349078158.